The following is an entry in ClinVar:

NM_001330260.2(SCN8A):c.277-10_277-7del

Gene: SCN8A (sodium voltage-gated channel alpha subunit 8; plus strand). Cytogenetic location: 12q13.13.
Variant type: Microsatellite.
Coding change: c.277-10_277-7del on transcript NM_001330260.2 (MANE Select); 10 bases into the intron before coding-DNA position 277 through 7 bases into the intron before coding-DNA position 277, 4 bases deleted (TTCT; older notation c.277-10_277-7delTTCT).
Molecular consequence: intron variant.
Genome position (GRCh38, 1-based): chr12:51,684,164-51,684,167, TTCT deleted; deleting any 4 consecutive bases within chr12:51,684,157-51,684,167 gives the same sequence; the c. name uses the placement nearest the transcript's 3' end. VCF-style (leftmost placement, unchanged base first): chr12-51684156-CTCTT-C. GRCh37 (hg19) VCF-style: chr12-52077940-CTCTT-C.
Other names: c.277-10_277-7del (NM_014191.4, NM_001177984.3, NM_001369788.1).
Identifiers: ClinVar variation 2077908 (VCV002077908.5), dbSNP rs773823344, ClinGen allele CA6571031.
Genomic context (GRCh38, chr12:51,684,156, plus strand): 5'-CCTTACCTAGAAATCATTGTTTCATGTGGTGACTCATACCCATGCTTTAATAATTTCTCT[CTCTT>C]TCTTTCTCCACAGACCTTTGTAGTATTAAACAGAGGGAAAACTCTCTTCAGATTTAGTGC-3'

ClinVar aggregate classification (germline): Conflicting classifications of pathogenicity. Review status: criteria provided, conflicting classifications (1 of 4 stars). 2 submissions from 2 submitters: Uncertain significance (1); Likely benign (1). Last evaluated 2025-02-17.

Conditions:
Early-infantile DEE. Also called: Early infantile epileptic encephalopathy; Ohtahara syndrome; Early infantile epileptic encephalopathy with suppression bursts. Identifiers: Orphanet 1934, MedGen C0393706, MONDO:0800491.

Submissions (2):

Labcorp Genetics (formerly Invitae), Labcorp
Classification: Uncertain significance for Early-infantile DEE. Last evaluated: 2025-02-17. Review status: criteria provided, single submitter. Criteria: Invitae Variant Classification Sherloc (09022015). Collection method: clinical testing. Allele origin: germline.
Comment: This sequence change falls in intron 2 of the SCN8A gene. It does not directly change the encoded amino acid sequence of the SCN8A protein. This variant is present in population databases (rs773823344, gnomAD 0.02%). This variant has not been reported in the literature in individuals affected with SCN8A-related conditions. Algorithms developed to predict the effect of sequence changes on RNA splicing suggest that this variant may disrupt the consensus splice site. In summary, the available evidence is currently insufficient to determine the role of this variant in disease. Therefore, it has been classified as a Variant of Uncertain Significance.

Blueprint Genetics
Classification: Likely benign. Last evaluated: 2023-04-26. Review status: criteria provided, single submitter. Criteria: ACMG Guidelines, 2015. Collection method: clinical testing. Allele origin: germline.